The following is an entry in ClinVar:

ClinVar aggregate classification (germline): Uncertain significance (1 of 4 stars; one submission).

gnomAD v4.1: 4 of 1,614,028 alleles (0.00025%); highest among the groups gnomAD compares: East Asian, 0.0022%; no homozygotes.

Submission:

Labcorp Genetics (formerly Invitae), Labcorp
Classification: Uncertain significance. Last evaluated: 2025-04-09. Review status: criteria provided, single submitter. Criteria: Invitae Variant Classification Sherloc (09022015). Collection method: clinical testing. Allele origin: germline.
Comment: This sequence change replaces glycine, which is neutral and non-polar, with arginine, which is basic and polar, at codon 242 of the DYM protein (p.Gly242Arg). This variant is present in population databases (rs765042805, gnomAD 0.006%). This variant has not been reported in the literature in individuals affected with DYM-related conditions. Invitae Evidence Modeling of protein sequence and biophysical properties (such as structural, functional, and spatial information, amino acid conservation, physicochemical variation, residue mobility, and thermodynamic stability) indicates that this missense variant is not expected to disrupt DYM protein function with a negative predictive value of 80%. In summary, the available evidence is currently insufficient to determine the role of this variant in disease. Therefore, it has been classified as a Variant of Uncertain Significance.

NM_001353214.3(DYM):c.724G>C (p.Gly242Arg)

Gene: DYM (dymeclin; minus strand). Cytogenetic location: 18q21.1.
Variant type: single nucleotide variant.
Coding change: c.724G>C on transcript NM_001353214.3 (MANE Select); coding-DNA position 724, G replaced by C.
Protein change: p.Gly242Arg; replaces glycine 242 with arginine.
Molecular consequence: missense variant. On other transcripts: intron variant (4).
Genome position (GRCh38, 1-based): chr18:49,331,903, C>G on the plus strand (G>C on the coding strand, the complement: DYM is on the minus strand). VCF-style: chr18-49331903-C-G. GRCh37 (hg19) VCF-style: chr18-46858273-C-G.
Other names: c.724G>C, p.Gly242Arg (NM_001353210.3, NM_001353213.3, NM_001353215.3 and 10 more transcripts); c.721G>C, p.Gly241Arg (NM_001353211.3, NM_001353212.3, NM_001374429.1 and 1 more transcripts); c.598G>C, p.Gly200Arg (NM_001374432.1, NM_001374436.1); c.496G>C, p.Gly166Arg (NM_001374440.1); c.194-45290G>C (NM_001374443.1); c.194-45287G>C (NM_001374444.1, NM_001374442.1, NM_001374441.1); short protein forms G241R, G166R, G200R, G242R.
Identifiers: ClinVar variation 4707212 (VCV004707212.1).
Genomic context (GRCh38, chr18:49,331,903, plus strand): 5'-AAAAAATCTGATAAAACTTACTTGCTACTCCTGATGCAAGTCCATAAAGCAGTCCTCCCC[C>G]ATCCGACTGCTGAGGGAAAACATGGGCCCCTGGAGGAGGTGGCTTTTCTTGTCTGATAAA-3'
Protein context (NP_001340143.1, residues 232-252): GAHVFPQQSD[Gly242Arg]GGLLYGLASG